The following is an entry in ClinVar:

NM_001374385.1(ATP8B1):c.2198G>A (p.Gly733Glu)

Genes: ATP8B1 (ATPase phospholipid transporting 8B1; minus strand), ATP8B1-AS1 (ATP8B1 antisense RNA 1; plus strand). Cytogenetic location: 18q21.31.
Variant type: single nucleotide variant.
Coding change: c.2198G>A on transcript NM_001374385.1 (MANE Select); coding-DNA position 2198, G replaced by A.
Protein change: p.Gly733Glu; replaces glycine 733 with glutamic acid.
Molecular consequence: missense variant. On other transcripts: non-coding transcript variant (1).
Genome position (GRCh38, 1-based): chr18:57,668,440, C>T on the plus strand (G>A on the coding strand, the complement: ATP8B1 is on the minus strand). VCF-style: chr18-57668440-C-T. GRCh37 (hg19) VCF-style: chr18-55335672-C-T.
Other names: c.2048G>A, p.Gly683Glu (NM_001374386.1); c.2198G>A, p.Gly733Glu (NM_005603.6); short protein forms G683E, G733E.
Identifiers: ClinVar variation 4846139 (VCV004846139.1).

ClinVar aggregate classification (germline): Uncertain significance (1 of 4 stars; one submission).

Conditions:
Familial intrahepatic cholestasis. Identifiers: Orphanet 284385, MedGen CN296401, MONDO:0017290.

Submission:

Genomenon, Inc
Classification: Uncertain significance for Familial intrahepatic cholestasis. Last evaluated: 2026-04-14. Review status: criteria provided, single submitter. Criteria: Genomenon Sequence Variant Interpretation Standards - Updated. Collection method: curation. Allele origin: germline. Affected: yes.
Comment: ATP8B1 p.Gly733Glu (c.2198G>A) is a missense variant that changes the amino acid at residue 733 from Glycine to Glutamic acid. This variant has been observed in at least one proband with features of ATP8B1-deficiency (PMID:35535061). It is absent or not present at a significant frequency in gnomAD. In silico models predict that this variant is possibly or probably damaging. In conclusion, we classify ATP8B1 p.Gly733Glu (c.2198G>A) as a variant of uncertain significance.

Literature cited by the submitters: PubMed 35535061.